The following is an entry in ClinVar:

NM_001256071.3(RNF213):c.10351A>T (p.Met3451Leu)

Genes: RNF213 (ring finger protein 213; plus strand), RNF213-AS1 (RNF213 antisense RNA 1; minus strand). Cytogenetic location: 17q25.3.
Variant type: single nucleotide variant.
Coding change: c.10351A>T on transcript NM_001256071.3 (MANE Select); coding-DNA position 10351, A replaced by T.
Protein change: p.Met3451Leu; replaces methionine 3451 with leucine.
Molecular consequence: missense variant. On other transcripts: non-coding transcript variant (1).
Genome position (GRCh38, 1-based): chr17:80,352,987, A>T. VCF-style: chr17-80352987-A-T. GRCh37 (hg19) VCF-style: chr17-78326787-A-T.
Other names: p.Met3451Leu; c.10498A>T, p.Met3500Leu (NM_001410195.1, NM_020914.5); short protein forms M3451L, M3500L.
Identifiers: ClinVar variation 3366600 (VCV003366600.2).
Genomic context (GRCh38, chr17:80,352,987, plus strand): 5'-TCACTCTTCACAGGGCTGTGGCAGTCTGTCCACATCGATGACCTCCGGAGATCCACCCTC[A>T]TGGTTTCTGATGTGACCAGGCTGCAGCATGTCACCATCAGCCAGCTGTTCGCGCCCGGAG-3'
Protein context (NP_001243000.2, residues 3441-3461): HIDDLRRSTL[Met3451Leu]VSDVTRLQHV

ClinVar aggregate classification (germline): Uncertain significance. Review status: criteria provided, multiple submitters, no conflicts (2 of 4 stars). 2 submissions from 2 submitters: Uncertain significance (2). Last evaluated 2025-09-18.

gnomAD v4.1: 301 of 1,613,846 alleles (0.019%); highest among the groups gnomAD compares: Non-Finnish European, 0.025%; no homozygotes.

Submissions (2):

Mayo Clinic Laboratories, Mayo Clinic
Classification: Uncertain significance. Last evaluated: 2025-09-18. Review status: criteria provided, single submitter. Criteria: ACMG Guidelines, 2015. Collection method: clinical testing. Allele origin: germline. Observed: 1 variant allele.
Comment: BP4_moderate, PM2_supporting

Women's Health and Genetics/Laboratory Corporation of America, LabCorp
Classification: Uncertain significance. Last evaluated: 2024-08-26. Review status: criteria provided, single submitter. Criteria: LabCorp Variant Classification Summary - May 2015. Collection method: clinical testing. Allele origin: germline.
Comment: Variant summary: RNF213 c.10351A>T (p.Met3451Leu) results in a conservative amino acid change in the encoded protein sequence. Two of four in-silico tools predict a benign effect of the variant on protein function. The variant allele was found at a frequency of 6e-05 in 250860 control chromosomes. This frequency is not significantly higher than estimated for a pathogenic variant in RNF213 causing Moyamoya Disease 2, allowing no conclusion about variant significance. c.10351A>T has been reported in the literature in individuals affected with multiple sclerosis and autoinflammatory disease (e.g. Vilario-Gell_2019, LeGoueff_2022). These report(s) do not provide unequivocal conclusions about association of the variant with Moyamoya Disease 2. To our knowledge, no experimental evidence demonstrating an impact on protein function has been reported. The following publications have been ascertained in the context of this evaluation (PMID: 36153184, 31170158). No submitters have cited clinical-significance assessments for this variant to ClinVar. Based on the evidence outlined above, the variant was classified as uncertain significance.

Literature cited by the submitters: PubMed 36153184 (cited by Women's Health and Genetics/Laboratory Corporation of America, LabCorp); PubMed 31170158 (cited by Women's Health and Genetics/Laboratory Corporation of America, LabCorp).